The following is an entry in ClinVar:

GRCh37/hg19 8p11.21(chr8:41684441-42650077)x1

Genes: ANK1 (ankyrin 1; minus strand), AP3M2 (adaptor related protein complex 3 subunit mu 2; plus strand), CHRNA6 (cholinergic receptor nicotinic alpha 6 subunit; minus strand), CHRNB3 (cholinergic receptor nicotinic beta 3 subunit; plus strand), DKK4 (dickkopf Wnt signaling pathway inhibitor 4; minus strand) and 7 more. Cytogenetic location: 8p11.21.
Variant type: copy number loss.
Change: copy number 1 (one copy instead of two) of chr8:41,684,441-42,650,077 (965.6 kb, GRCh37 coordinates, 1-based), cytogenetic band 8p11.21.
Identifiers: ClinVar variation 5016493 (VCV005016493.1).

ClinVar aggregate classification (germline): Likely pathogenic (1 of 4 stars; one submission).

Conditions:
Autosomal dominant intellectual disability-craniofacial anomalies-cardiac defects syndrome (ARTHS). Also called: Arboleda-Tham syndrome; Mental retardation, autosomal dominant 32; KAT6A syndrome. Identifiers: Orphanet 457193, MedGen C4225396, MONDO:0014558, OMIM 616268.

Submission:

Pediatrics, Fukuoka University
Classification: Likely pathogenic for Autosomal dominant intellectual disability-craniofacial anomalies-cardiac defects syndrome. Last evaluated: 2026-10-02. Review status: criteria provided, single submitter. Criteria: ACMG/ClinGen CNV Guidelines, 2019. Collection method: provider interpretation. Allele origin: de novo. Affected: yes. Observed: 1 variant allele, 1 mosaic individual.
Comment: Heterozygous loss of KAT6A, including whole-gene deletion, causes Arboleda-Tham syndrome (PMID:25728775; PMID:25728777; PMID:30245513), and a mosaic KAT6A variant has been reported previously (PMID:33770237). Orthogonal confirmation (FISH/qPCR) has not been performed. Classified according to the ACMG/ClinGen CNV guidelines (PMID:31690835).

Literature cited by the submitters: PubMed 25728775; PubMed 25728777; PubMed 30245513; PubMed 33770237.